The following is an entry in ClinVar:

ClinVar aggregate classification (germline): Uncertain significance (1 of 4 stars; one submission).

Allele frequency attached by ClinVar (database versions not stated): gnomAD exomes below 0.00001; ExAC 0.00001.
gnomAD v4.1: 1 of 1,614,118 alleles (0.000062%); highest among the groups gnomAD compares: South Asian, 0.0011%; no homozygotes.

Submission:

Ambry Genetics
Classification: Uncertain significance. Last evaluated: 2021-12-15. Review status: criteria provided, single submitter. Criteria: Ambry Variant Classification Scheme 2023. Collection method: clinical testing. Allele origin: germline.
Comment: The p.S727G variant (also known as c.2179A>G), located in coding exon 1 of the MLH3 gene, results from an A to G substitution at nucleotide position 2179. The serine at codon 727 is replaced by glycine, an amino acid with similar properties. This amino acid position is conserved. In addition, this alteration is predicted to be tolerated by in silico analysis. Since supporting evidence is limited at this time, the clinical significance of this alteration remains unclear.

NM_001040108.2(MLH3):c.2179A>G (p.Ser727Gly)

Gene: MLH3 (mutL homolog 3; minus strand). Cytogenetic location: 14q24.3.
Variant type: single nucleotide variant.
Coding change: c.2179A>G on transcript NM_001040108.2 (MANE Select); coding-DNA position 2179, A replaced by G.
Protein change: p.Ser727Gly; replaces serine 727 with glycine.
Molecular consequence: missense variant.
Genome position (GRCh38, 1-based): chr14:75,047,477, T>C on the plus strand (A>G on the coding strand, the complement: MLH3 is on the minus strand). VCF-style: chr14-75047477-T-C. GRCh37 (hg19) VCF-style: chr14-75514180-T-C.
Other names: c.2179A>G, p.Ser727Gly (NM_014381.3); short protein forms S727G.
Identifiers: ClinVar variation 1787221 (VCV001787221.2), dbSNP rs755098739, ClinGen allele CA7275741.
Genomic context (GRCh38, chr14:75,047,477, plus strand): 5'-AGCTTAGCTTCTTACGGACGATTGGTTTGGAGAAACCAATTAATTTATCTGTTTTCCTAC[T>C]ATCATTGGAAACGTGTCTATACCAGGGGAAAGAGGGGGATGTATCAGATAATATGCAATC-3'
Protein context (NP_001035197.1, residues 717-737): FPWYRHVSND[Ser727Gly]RKTDKLIGFS